The following is an entry in ClinVar:

NM_001039141.3(TRIOBP):c.5141G>A (p.Ser1714Asn)

Gene: TRIOBP (TRIO and F-actin binding protein; plus strand). Cytogenetic location: 22q13.1.
Variant type: single nucleotide variant.
Coding change: c.5141G>A on transcript NM_001039141.3 (MANE Select); coding-DNA position 5141, G replaced by A.
Protein change: p.Ser1714Asn; replaces serine 1714 with asparagine.
Molecular consequence: missense variant.
Genome position (GRCh38, 1-based): chr22:37,738,676, G>A. VCF-style: chr22-37738676-G-A. GRCh37 (hg19) VCF-style: chr22-38134683-G-A.
Other names: short protein forms S1714N.
Identifiers: ClinVar variation 4540146 (VCV004540146.1).

ClinVar aggregate classification (germline): Uncertain significance (1 of 4 stars; one submission).

gnomAD v4.1: 2 of 1,613,948 alleles (0.00012%); highest among the groups gnomAD compares: Admixed American, 0.0017%; no homozygotes.

Submission:

GeneDx
Classification: Uncertain significance. Last evaluated: 2025-06-27. Review status: criteria provided, single submitter. Criteria: GeneDx Variant Classification Process June 2021. Collection method: clinical testing. Allele origin: germline. Affected: yes.
Comment: Not observed at significant frequency in large population cohorts (gnomAD); In silico analysis suggests that this missense variant does not alter protein structure/function; Has not been previously published as pathogenic or benign to our knowledge